The following is an entry in ClinVar:

NM_025082.4(CENPT):c.759C>T (p.Asn253=)

Gene: CENPT (centromere protein T; minus strand). Cytogenetic location: 16q22.1.
Variant type: single nucleotide variant.
Coding change: c.759C>T on transcript NM_025082.4 (MANE Select); coding-DNA position 759, C replaced by T.
Protein change: p.Asn253=; no amino-acid change (asparagine 253 retained).
Molecular consequence: synonymous variant.
Genome position (GRCh38, 1-based): chr16:67,830,493, G>A on the plus strand (C>T on the coding strand, the complement: CENPT is on the minus strand). VCF-style: chr16-67830493-G-A. GRCh37 (hg19) VCF-style: chr16-67864396-G-A.
Identifiers: ClinVar variation 3042973 (VCV003042973.3), dbSNP rs56045040, ClinGen allele CA8117753.
Genomic context (GRCh38, chr16:67,830,493, plus strand): 5'-GGCAGCCTGCTCAGCGTCTTCAGCCCCAGTGTGAGGCGTGCAGGGCAGGGAGTGATACAC[G>A]TTGGGGGAGCCAACCATGGGCTGAGAGAACGGCTGGGTGTCCTCCAACACAATGTCTGTG-3'
Protein context (NP_079358.3, residues 243-263): PFSQPMVGSP[Asn253=]VYHSLPCTPH

ClinVar aggregate classification (germline): Likely benign. Review status: criteria provided, single submitter (1 of 4 stars). 2 submissions from 2 submitters: Likely benign (1). 1 of the submissions does not count toward it. Last evaluated 2024-10-23.

Conditions:
CENPT-related disorder. Also called: CENPT-related condition.

Allele frequency attached by ClinVar (database versions not stated): 1000 Genomes Project 0.00060; ExAC 0.00093; 1000 Genomes Project 30x 0.00094; gnomAD 0.00094; ESP Exome Variant Server 0.00095; TOPMed 0.00095.
gnomAD v4.1: 2,158 of 1,614,118 alleles (0.13%); highest among the groups gnomAD compares: Non-Finnish European, 0.16%; 1 homozygote.

Submissions (2):

Blueprint Genetics
Classification: Likely benign. Last evaluated: 2024-10-23. Review status: criteria provided, single submitter. Criteria: ACMG Guidelines, 2015. Collection method: clinical testing. Allele origin: germline.

PreventionGenetics, part of Exact Sciences
Classification: Likely benign for CENPT-related condition. Last evaluated: 2019-02-27. Review status: no assertion criteria provided. Collection method: clinical testing. Allele origin: germline. Not counted in ClinVar's aggregate classification.
Comment: This variant is classified as likely benign based on ACMG/AMP sequence variant interpretation guidelines (Richards et al. 2015 PMID: 25741868, with internal and published modifications).